The following is an entry in ClinVar:

ClinVar aggregate classification (germline): Uncertain significance (1 of 4 stars; one submission).

Conditions:
Ventriculomegaly and arthrogryposis. Identifiers: MedGen C5561973, MONDO:0859184, OMIM 619501.

Submission:

Victorian Clinical Genetics Services, Murdoch Childrens Research Institute
Classification: Uncertain significance for Ventriculomegaly and arthrogryposis. Last evaluated: 2023-07-17. Review status: criteria provided, single submitter. Criteria: ACMG Guidelines, 2015. Collection method: clinical testing. Allele origin: germline. Inheritance: Autosomal recessive inheritance. Affected: yes.
Comment: Based on the classification scheme VCGS_Germline_v1.3.4, this variant is classified as VUS-3A Following criteria are met: 0102 - Loss of function is a known mechanism of disease in this gene and is associated with autosomal recessive ventriculomegaly and arthrogryposis (MIM#619501). The mechanism for autosomal dominant spastic paraplegia, intellectual disability, nystagmus, and obesity (MIM#617296) remains unknown. (I) 0108 - This gene is associated with both recessive and dominant disease. Variants associated with autosomal dominant spastic paraplegia, intellectual disability, nystagmus, and obesity (MIM#617296) are mostly protein truncating (PMID: 27005418). (I) 0211 - Canonical splice site variant without proven consequence on splicing (no functional evidence available). (SP) 0251 - This variant is heterozygous. (I) 0301 - Variant is absent from gnomAD (both v2 and v3). (SP) 0505 - Abnormal splicing is predicted by in silico tools and affected nucleotide is highly conserved. (SP) 0705 - No comparable splice site variants have previous evidence for pathogenicity. (I) 0807 - This variant has no previous evidence of pathogenicity. (I) 0905 - No published segregation evidence has been identified for this variant. (I) 1007 - No published functional evidence has been identified for this variant. (I) Legend: (SP) - Supporting pathogenic, (I) - Information, (SB) - Supporting benign

Literature cited by the submitters: PubMed 27005418.

NM_020738.4(KIDINS220):c.604-1G>T

Gene: KIDINS220 (kinase D interacting substrate 220; minus strand). Cytogenetic location: 2p25.1.
Variant type: single nucleotide variant.
Coding change: c.604-1G>T on transcript NM_020738.4 (MANE Select); the canonical splice acceptor site of the intron before coding-DNA position 604, G replaced by T.
Molecular consequence: splice acceptor variant.
Genome position (GRCh38, 1-based): chr2:8,803,128, C>A on the plus strand (G>T on the coding strand, the complement: KIDINS220 is on the minus strand). VCF-style: chr2-8803128-C-A. GRCh37 (hg19) VCF-style: chr2-8943258-C-A.
Other names: c.604-1G>T (NM_001348741.2, NM_001348738.2, NM_001348742.2 and 3 more transcripts); c.607-1G>T (NM_001348739.2, NM_001348740.2, NM_001348734.2 and 3 more transcripts); c.478-1G>T (NM_001348736.2).
Identifiers: ClinVar variation 3376751 (VCV003376751.1).